The following is an entry in ClinVar:

NM_000051.4(ATM):c.7075A>T (p.Thr2359Ser)

Genes: ATM (ATM serine/threonine kinase; plus strand), C11orf65 (chromosome 11 open reading frame 65; minus strand). Cytogenetic location: 11q22.3.
Variant type: single nucleotide variant.
Coding change: c.7075A>T on transcript NM_000051.4 (MANE Select); coding-DNA position 7075, A replaced by T.
Protein change: p.Thr2359Ser; replaces threonine 2359 with serine.
Molecular consequence: missense variant. On other transcripts: intron variant (2).
Genome position (GRCh38, 1-based): chr11:108,327,744, A>T. VCF-style: chr11-108327744-A-T. GRCh37 (hg19) VCF-style: chr11-108198471-A-T.
Other names: c.7075A>T, p.Thr2359Ser (NM_001351834.2); c.641-18673T>A (NM_001330368.2); c.*38+7476T>A (NM_001351110.2); short protein forms T2359S.
Identifiers: ClinVar variation 1499026 (VCV001499026.8), dbSNP rs2136378938, ClinGen allele CA382559138.

ClinVar aggregate classification (germline): Uncertain significance (1 of 4 stars; one submission).

Conditions:
Ataxia-telangiectasia syndrome (AT). Also called: LOUIS-BAR SYNDROME; Cerebello-oculocutaneous telangiectasia; Immunodeficiency with ataxia telangiectasia; Ataxia telangiectasia (A-T); Ataxia-telangiectasia, complementation group D; AT, COMPLEMENTATION GROUP C. Identifiers: Orphanet 100, MedGen C0004135, MONDO:0008840, OMIM 208900.

Allele frequency attached by ClinVar (database versions not stated): gnomAD exomes below 0.00001.
gnomAD v4.1: 1 of 1,613,756 alleles (0.000062%); highest among the groups gnomAD compares: Non-Finnish European, 0.000085%; no homozygotes.

Submission:

Labcorp Genetics (formerly Invitae), Labcorp
Classification: Uncertain significance for Ataxia-telangiectasia syndrome. Last evaluated: 2020-11-13. Review status: criteria provided, single submitter. Criteria: Invitae Variant Classification Sherloc (09022015). Collection method: clinical testing. Allele origin: germline.
Comment: In summary, the available evidence is currently insufficient to determine the role of this variant in disease. Therefore, it has been classified as a Variant of Uncertain Significance. This sequence change replaces threonine with serine at codon 2359 of the ATM protein (p.Thr2359Ser). The threonine residue is weakly conserved and there is a small physicochemical difference between threonine and serine. Advanced modeling of protein sequence and biophysical properties (such as structural, functional, and spatial information, amino acid conservation, physicochemical variation, residue mobility, and thermodynamic stability) performed at Invitae indicates that this missense variant is not expected to disrupt ATM protein function. This variant has not been reported in the literature in individuals with ATM-related conditions. This variant is not present in population databases (ExAC no frequency).